The following is an entry in ClinVar:

ClinVar aggregate classification (germline): Uncertain significance (1 of 4 stars; one submission).

Submission:

Labcorp Genetics (formerly Invitae), Labcorp
Classification: Uncertain significance. Last evaluated: 2025-09-25. Review status: criteria provided, single submitter. Criteria: Invitae Variant Classification Sherloc (09022015). Collection method: clinical testing. Allele origin: germline.
Comment: This sequence change replaces cysteine, which is neutral and slightly polar, with leucine, which is neutral and non-polar, at codon 524 of the ACAN protein (p.Cys524Leu). Information on the frequency of this variant in the gnomAD database is not available, as this variant may be reported differently in the database. This variant has not been reported in the literature in individuals affected with ACAN-related conditions. Experimental studies and prediction algorithms are not available or were not evaluated, and the functional significance of this variant is currently unknown. In summary, the available evidence is currently insufficient to determine the role of this variant in disease. Therefore, it has been classified as a Variant of Uncertain Significance.

NM_001369268.1(ACAN):c.1571_1572delinsTA (p.Cys524Leu)

Gene: ACAN (aggrecan; plus strand). Cytogenetic location: 15q26.1.
Variant type: Indel.
Coding change: c.1571_1572delinsTA on transcript NM_001369268.1 (MANE Select); coding-DNA positions 1571 to 1572, GT replaced by TA.
Protein change: p.Cys524Leu; replaces cysteine 524 with leucine.
Molecular consequence: missense variant.
Genome position (GRCh38, 1-based): chr15:88,847,384-88,847,385, GT replaced by TA. VCF-style: chr15-88847384-GT-TA. GRCh37 (hg19) VCF-style: chr15-89390615-GT-TA.
Other names: c.1571_1572delinsTA, p.Cys524Leu (NM_001135.4, NM_001411096.1, NM_001411097.1 and 1 more transcripts); short protein forms C524L.
Identifiers: ClinVar variation 4727875 (VCV004727875.1).